The following is an entry in ClinVar:

ClinVar aggregate classification (germline): Uncertain significance (1 of 4 stars; one submission).

Conditions:
Hereditary cancer-predisposing syndrome. Also called: Tumor predisposition; Neoplastic Syndromes, Hereditary; Hereditary neoplastic syndrome; Hereditary Cancer Syndrome. Identifiers: Orphanet 140162, MedGen C0027672, MeSH D009386, MONDO:0015356.

Submission:

Ambry Genetics
Classification: Uncertain significance for Hereditary cancer-predisposing syndrome. Last evaluated: 2024-07-25. Review status: criteria provided, single submitter. Criteria: Ambry Variant Classification Scheme 2023. Collection method: clinical testing. Allele origin: germline.
Comment: The c.3994-3C>G intronic variant results from a C to G substitution 3 nucleotides upstream from coding exon 26 in the ATM gene. This nucleotide position is highly conserved in available vertebrate species. In silico splice site analysis predicts that this alteration will weaken the native splice acceptor site. Based on the available evidence, the clinical significance of this variant remains unclear.

NM_000051.4(ATM):c.3994-3C>G

Gene: ATM (ATM serine/threonine kinase; plus strand). Cytogenetic location: 11q22.3.
Variant type: single nucleotide variant.
Coding change: c.3994-3C>G on transcript NM_000051.4 (MANE Select); 3 bases into the intron before coding-DNA position 3994, C replaced by G.
Molecular consequence: intron variant.
Genome position (GRCh38, 1-based): chr11:108,287,597, C>G. VCF-style: chr11-108287597-C-G. GRCh37 (hg19) VCF-style: chr11-108158324-C-G.
Other names: c.3994-3C>G (NM_001351834.2).
Identifiers: ClinVar variation 3450363 (VCV003450363.1).
Genomic context (GRCh38, chr11:108,287,597, plus strand): 5'-TGAGCTGTCTTGACGTTCACAGATATAAAATATTAAATATATTTTAATTTTGTGCCCTTG[C>G]AGATTGATCACTTATTCATTAGTAATTTACCAGAGATTGTGGTGGAGTTATTGATGACGT-3'